The following is an entry in ClinVar:

NM_001127464.1:c.4697_4699del

Gene: ZNF469 (zinc finger protein 469; plus strand).
Variant type: Deletion.
Identifiers: ClinVar variation 4529800 (VCV004529800.1).

ClinVar aggregate classification (germline): Uncertain significance (1 of 4 stars; one submission).

Submission:

GeneDx
Classification: Uncertain significance. Last evaluated: 2025-05-14. Review status: criteria provided, single submitter. Criteria: GeneDx Variant Classification Process June 2021. Collection method: clinical testing. Allele origin: germline. Affected: yes.
Comment: Not observed at significant frequency in large population cohorts (gnomAD); In-frame deletion of 1 amino acid(s) in a non-repeat region; In silico analysis suggests that this variant does not alter protein structure/function; Has not been previously published as pathogenic or benign to our knowledge